The following is an entry in ClinVar:

ClinVar aggregate classification (germline): Uncertain significance. Review status: criteria provided, multiple submitters, no conflicts (2 of 4 stars). 2 submissions from 2 submitters: Uncertain significance (2). Last evaluated 2022-02-18.

Conditions:
Primary ciliary dyskinesia. Also called: Ciliary dyskinesia. Identifiers: Orphanet 244, MedGen C0008780, MONDO:0016575, HP:0012265.

Allele frequency attached by ClinVar (database versions not stated): gnomAD 0.00001; TOPMed 0.00001; ExAC 0.00002; gnomAD exomes 0.00002 and 0.00003.
gnomAD v4.1: 41 of 1,613,766 alleles (0.0025%); highest among the groups gnomAD compares: Admixed American, 0.0033%; no homozygotes.

Submissions (2):

Labcorp Genetics (formerly Invitae), Labcorp
Classification: Uncertain significance for Primary ciliary dyskinesia. Last evaluated: 2022-02-18. Review status: criteria provided, single submitter. Criteria: Invitae Variant Classification Sherloc (09022015). Collection method: clinical testing. Allele origin: germline.
Comment: In summary, the available evidence is currently insufficient to determine the role of this variant in disease. Therefore, it has been classified as a Variant of Uncertain Significance. Algorithms developed to predict the effect of missense changes on protein structure and function are either unavailable or do not agree on the potential impact of this missense change (SIFT: "Deleterious"; PolyPhen-2: "Probably Damaging"; Align-GVGD: "Class C0"). This variant has not been reported in the literature in individuals affected with RSPH4A-related conditions. This variant is present in population databases (rs768193419, gnomAD 0.003%). This sequence change replaces arginine, which is basic and polar, with cysteine, which is neutral and slightly polar, at codon 374 of the RSPH4A protein (p.Arg374Cys).

Ambry Genetics
Classification: Uncertain significance for Primary ciliary dyskinesia. Last evaluated: 2021-09-26. Review status: criteria provided, single submitter. Criteria: Ambry Variant Classification Scheme 2023. Collection method: clinical testing. Allele origin: germline.
Comment: The p.R374C variant (also known as c.1120C>T), located in coding exon 3 of the RSPH4A gene, results from a C to T substitution at nucleotide position 1120. The arginine at codon 374 is replaced by cysteine, an amino acid with highly dissimilar properties. This amino acid position is conserved. In addition, this alteration is predicted to be tolerated by in silico analysis. Since supporting evidence is limited at this time, the clinical significance of this alteration remains unclear.

NM_001010892.3(RSPH4A):c.1120C>T (p.Arg374Cys)

Gene: RSPH4A (radial spoke head component 4A; plus strand). Cytogenetic location: 6q22.1.
Variant type: single nucleotide variant.
Coding change: c.1120C>T on transcript NM_001010892.3 (MANE Select); coding-DNA position 1120, C replaced by T.
Protein change: p.Arg374Cys; replaces arginine 374 with cysteine.
Molecular consequence: missense variant.
Genome position (GRCh38, 1-based): chr6:116,627,827, C>T. VCF-style: chr6-116627827-C-T. GRCh37 (hg19) VCF-style: chr6-116948990-C-T.
Other names: c.1120C>T, p.Arg374Cys (NM_001161664.2); short protein forms R374C.
Identifiers: ClinVar variation 1356744 (VCV001356744.8), dbSNP rs768193419, ClinGen allele CA3970900.